The following is an entry in ClinVar:

NM_000143.4(FH):c.336T>C (p.Leu112=)

Gene: FH (fumarate hydratase; minus strand). Cytogenetic location: 1q43.
Variant type: single nucleotide variant.
Coding change: c.336T>C on transcript NM_000143.4 (MANE Select); coding-DNA position 336, T replaced by C.
Protein change: p.Leu112=; no amino-acid change (leucine 112 retained).
Molecular consequence: synonymous variant.
Genome position (GRCh38, 1-based): chr1:241,513,645, A>G on the plus strand (T>C on the coding strand, the complement: FH is on the minus strand). VCF-style: chr1-241513645-A-G. GRCh37 (hg19) VCF-style: chr1-241676945-A-G.
Identifiers: ClinVar variation 1730729 (VCV001730729.6), dbSNP rs1375102701, ClinGen allele CA424076461.

ClinVar aggregate classification (germline): Benign/Likely benign. Review status: criteria provided, multiple submitters, no conflicts (2 of 4 stars). 3 submissions from 3 submitters: Benign (1); Likely benign (2). Last evaluated 2025-12-07.

Conditions:
Hereditary cancer-predisposing syndrome. Also called: Tumor predisposition; Neoplastic Syndromes, Hereditary; Hereditary Cancer Syndrome; Hereditary neoplastic syndrome. Identifiers: Orphanet 140162, MedGen C0027672, MeSH D009386, MONDO:0015356.
Hereditary leiomyomatosis and renal cell cancer. Also called: LEIOMYOMA, MULTIPLE CUTANEOUS; MULTIPLE CUTANEOUS AND UTERINE LEIOMYOMATA 1, WITH OR WITHOUT RENAL CELL CARCINOMA; FH tumor predisposition syndrome; Reed syndrome; Multiple cutaneous and uterine leiomyomatosis; Cutaneous leiomyomata with uterine leiomyomata. Identifiers: Orphanet 523, MedGen C1708350, MONDO:0007888, OMIM 150800, HP:0007437. Disease mechanism: loss of function.

Allele frequency attached by ClinVar (database versions not stated): gnomAD exomes below 0.00001.
gnomAD v4.1: 2 of 1,614,154 alleles (0.00012%); highest among the groups gnomAD compares: Admixed American, 0.0017%; no homozygotes.

Submissions (3):

Labcorp Genetics (formerly Invitae), Labcorp
Classification: Likely benign. Last evaluated: 2025-12-07. Review status: criteria provided, single submitter. Criteria: Invitae Variant Classification Sherloc (09022015). Collection method: clinical testing. Allele origin: germline.

Myriad Genetics, Inc.
Classification: Benign for Hereditary leiomyomatosis and renal cell cancer. Last evaluated: 2024-10-17. Review status: criteria provided, single submitter. Criteria: Myriad Autosomal Dominant, Autosomal Recessive and X-Linked Classification Criteria (2023). Collection method: clinical testing. Allele origin: unknown.
Comment: This variant is considered benign. This variant is a silent/synonymous amino acid change and it is not expected to impact splicing.

Ambry Genetics
Classification: Likely benign for Hereditary cancer-predisposing syndrome. Last evaluated: 2019-09-27. Review status: criteria provided, single submitter. Criteria: Ambry Variant Classification Scheme 2023. Collection method: clinical testing. Allele origin: germline.